The following is an entry in ClinVar:

ClinVar aggregate classification (germline): Likely benign (1 of 4 stars; one submission).

Submission:

CeGaT Center for Human Genetics Tuebingen
Classification: Likely benign. Last evaluated: 2024-09-01. Review status: criteria provided, single submitter. Criteria: CeGaT Center For Human Genetics Tuebingen Variant Classification Criteria Version 2. Collection method: clinical testing. Allele origin: germline. Affected: yes. Observed: 1 variant allele.
Comment: AKT1: PM2:Supporting, BP4, BP7

NM_001382430.1(AKT1):c.969C>T (p.Asp323=)

Gene: AKT1 (AKT serine/threonine kinase 1; minus strand). Cytogenetic location: 14q32.33.
Variant type: single nucleotide variant.
Coding change: c.969C>T on transcript NM_001382430.1 (MANE Select); coding-DNA position 969, C replaced by T.
Protein change: p.Asp323=; no amino-acid change (aspartic acid 323 retained).
Molecular consequence: synonymous variant.
Genome position (GRCh38, 1-based): chr14:104,773,081, G>A on the plus strand (C>T on the coding strand, the complement: AKT1 is on the minus strand). VCF-style: chr14-104773081-G-A. GRCh37 (hg19) VCF-style: chr14-105239418-G-A.
Other names: c.969C>T, p.Asp323= (NM_001014431.2, NM_001014432.2, NM_001382431.1 and 3 more transcripts).
Identifiers: ClinVar variation 3389555 (VCV003389555.14).